The following is an entry in ClinVar:

ClinVar aggregate classification (germline): Uncertain significance (1 of 4 stars; one submission).

Submission:

CeGaT Center for Human Genetics Tuebingen
Classification: Uncertain significance. Last evaluated: 2023-02-01. Review status: criteria provided, single submitter. Criteria: CeGaT Center For Human Genetics Tuebingen Variant Classification Criteria Version 2. Collection method: clinical testing. Allele origin: germline. Affected: yes. Observed: 1 variant allele.
Comment: ADAMTS6: PM2, BP4

NM_197941.4(ADAMTS6):c.844-4T>G

Gene: ADAMTS6 (ADAM metallopeptidase with thrombospondin type 1 motif 6; minus strand). Cytogenetic location: 5q12.3.
Variant type: single nucleotide variant.
Coding change: c.844-4T>G on transcript NM_197941.4 (MANE Select); 4 bases into the intron before coding-DNA position 844, T replaced by G.
Molecular consequence: intron variant. On other transcripts: non-coding transcript variant (1).
Genome position (GRCh38, 1-based): chr5:65,452,220, A>C on the plus strand (T>G on the coding strand, the complement: ADAMTS6 is on the minus strand). VCF-style: chr5-65452220-A-C. GRCh37 (hg19) VCF-style: chr5-64748047-A-C.
Identifiers: ClinVar variation 2655494 (VCV002655494.24), dbSNP rs2480998302, ClinGen allele CA2695198608.
Genomic context (GRCh38, chr5:65,452,220, plus strand): 5'-GGCCACTATAATATTCACAACGTTTCCTAGGCTGGAATCACGGTAAAGTTTGGCAACCTG[A>C]CCTCCAGAAAATAAGAAAAGACACAAAGTCAGACAAAAATTATAGGGTGATAGTTTGGTT-3'